The following is an entry in ClinVar:

ClinVar aggregate classification (germline): Uncertain significance (1 of 4 stars; one submission).

Conditions:
Fetal akinesia deformation sequence 1 (FADS1). Also called: Fetal akinesia sequence; Pena-Shokeir syndrome type I. Identifiers: Orphanet 994, MedGen C1276035, MONDO:0100101, OMIM 208150, HP:0001989.
Congenital myasthenic syndrome 10. Also called: Myasthenia, limb-girdle, familial. Identifiers: Orphanet 590, MedGen C1850792, MONDO:0009690, OMIM 254300.

Submission:

Labcorp Genetics (formerly Invitae), Labcorp
Classification: Uncertain significance for Congenital myasthenic syndrome 10; Fetal akinesia deformation sequence 1. Last evaluated: 2022-02-21. Review status: criteria provided, single submitter. Criteria: Invitae Variant Classification Sherloc (09022015). Collection method: clinical testing. Allele origin: germline.
Comment: This variant, c.759_767del, results in the deletion of 3 amino acid(s) of the DOK7 protein (p.Arg253_Gly255del), but otherwise preserves the integrity of the reading frame. This variant is present in population databases (rs373384998, gnomAD 0.04%). This variant has not been reported in the literature in individuals affected with DOK7-related conditions. ClinVar contains an entry for this variant (Variation ID: 949942). Experimental studies and prediction algorithms are not available or were not evaluated, and the functional significance of this variant is currently unknown. In summary, the available evidence is currently insufficient to determine the role of this variant in disease. Therefore, it has been classified as a Variant of Uncertain Significance.

NM_173660.5(DOK7):c.759_767del (p.Arg253_Gly255del)

Genes: DOK7 (docking protein 7; plus strand), LOC129992118 (ATAC-STARR-seq lymphoblastoid silent region 15206; plus strand). Cytogenetic location: 4p16.3.
Variant type: Deletion.
Coding change: c.759_767del on transcript NM_173660.5 (MANE Select); coding-DNA positions 759 to 767, 9 bases deleted (GCCGGGCAG; older notation c.759_767delGCCGGGCAG).
Protein change: p.Arg253_Gly255del.
Molecular consequence: inframe deletion. On other transcripts: 5 prime UTR variant (1).
Genome position (GRCh38, 1-based): chr4:3,489,783-3,489,791, GCCGGGCAG deleted; deleting any 9 consecutive bases within chr4:3,489,776-3,489,791 gives the same sequence; the c. name uses the placement nearest the transcript's 3' end. VCF-style (leftmost placement, unchanged base first): chr4-3489775-GCGGGCAGGC-G. GRCh37 (hg19) VCF-style: chr4-3491502-GCGGGCAGGC-G.
Other names: c.748_756del, p.Ala250_Gln252del (NM_001164673.2); c.-172_-164del (NM_001256896.2); c.759_767del, p.Arg253_Gly255del (NM_001301071.2); c.327_335del, p.Arg109_Gly111del (NM_001363811.2).
Identifiers: ClinVar variation 949942 (VCV000949942.7), dbSNP rs373384998, ClinGen allele CA2829167.